The following is an entry in ClinVar:

NM_000726.5(CACNB4):c.1343C>G (p.Ser448Cys)

Gene: CACNB4 (calcium voltage-gated channel auxiliary subunit beta 4; minus strand). Cytogenetic location: 2q23.3.
Variant type: single nucleotide variant.
Coding change: c.1343C>G on transcript NM_000726.5 (MANE Select); coding-DNA position 1343, C replaced by G.
Protein change: p.Ser448Cys; replaces serine 448 with cysteine.
Molecular consequence: missense variant.
Genome position (GRCh38, 1-based): chr2:151,839,339, G>C on the plus strand (C>G on the coding strand, the complement: CACNB4 is on the minus strand). VCF-style: chr2-151839339-G-C. GRCh37 (hg19) VCF-style: chr2-152695853-G-C.
Other names: p.S448C:TCT>TGT; c.1052C>G, p.Ser351Cys (NM_001330115.2); c.1013C>G, p.Ser338Cys (NM_001330116.2); c.785C>G, p.Ser262Cys (NM_001330117.2); c.1202C>G, p.Ser401Cys (NM_001330118.2, NM_001320722.3); c.1289C>G, p.Ser430Cys (NM_001005746.4); c.1241C>G, p.Ser414Cys (NM_001005747.4); c.1157C>G, p.Ser386Cys (NM_001145798.3); and 2 more; short protein forms S448C, S230C, S262C, S401C, S351C, S367C, S386C, S430C.
Identifiers: ClinVar variation 204934 (VCV000204934.2), dbSNP rs796052292, ClinGen allele CA313395.

ClinVar aggregate classification (germline): Uncertain significance (1 of 4 stars; one submission).

Submission:

GeneDx
Classification: Uncertain significance. Last evaluated: 2015-04-06. Review status: criteria provided, single submitter. Criteria: GeneDx Variant Classification (06012015). Collection method: clinical testing. Allele origin: germline. Affected: yes.
Comment: p.Ser448Cys (TCT>TGT): c.1343 C>G in exon 14 of the CACNB4 gene (NM_000726.2). The S448C variant has not been published as a mutation, nor has it been reported as a benign polymorphism to our knowledge. It was not observed in approximately 6,400 individuals of European and African American ancestry in the NHLBI Exome Sequencing Project, indicating it is not a common benign variant in these populations. The S448C variant is a non-conservative amino acid substitution, which is likely to impact secondary protein structure as these residues differ in polarity, charge, size and/or other properties. This substitution occurs at a position that is conserved in mammals, and in silico analysis predicts this variant is probably damaging to the protein structure/function. However, other missense mutations in nearby residues have not been reported. Therefore, based on the currently available information, it is unclear whether this variant is a pathogenic mutation or a rare benign variant.The variant is found in EPILEPSY panel(s).